The following is an entry in ClinVar:

ClinVar aggregate classification (germline): Uncertain significance (1 of 4 stars; one submission).

Submission:

Centre of Medical Genetics, University Hospital Muenster
Classification: Uncertain significance. Last evaluated: 2022-11-15. Review status: criteria provided, single submitter. Criteria: ACMG Guidelines, 2015. Collection method: clinical testing. Allele origin: unknown. Affected: yes. Observed: 1 variant allele, 1 heterozygote.
Comment: ACMG categories: PM2,PM4

NM_014225.6(PPP2R1A):c.306_308del (p.Val104del)

Gene: PPP2R1A (protein phosphatase 2 scaffold subunit Aalpha; plus strand). Cytogenetic location: 19q13.41.
Variant type: Deletion.
Coding change: c.306_308del on transcript NM_014225.6 (MANE Select); coding-DNA positions 306 to 308, 3 bases deleted (AGT; older notation c.306_308delAGT).
Protein change: p.Val104del; deletes valine 104.
Molecular consequence: inframe deletion. On other transcripts: 5 prime UTR variant (1), non-coding transcript variant (1).
Genome position (GRCh38, 1-based): chr19:52,211,295-52,211,297, AGT deleted. VCF-style (leftmost placement, unchanged base first): chr19-52211294-CAGT-C. GRCh37 (hg19) VCF-style: chr19-52714547-CAGT-C.
Other names: c.-232_-230del (NM_001363656.2); short protein forms V104del.
Identifiers: ClinVar variation 2430335 (VCV002430335.2), dbSNP rs2514088334, ClinGen allele CA2580097694.